The following is an entry in ClinVar:

NM_001130438.3(SPTAN1):c.7289C>G (p.Thr2430Ser)

Gene: SPTAN1 (spectrin alpha, non-erythrocytic 1; plus strand). Cytogenetic location: 9q34.11.
Variant type: single nucleotide variant.
Coding change: c.7289C>G on transcript NM_001130438.3 (MANE Select); coding-DNA position 7289, C replaced by G.
Protein change: p.Thr2430Ser; replaces threonine 2430 with serine.
Molecular consequence: missense variant.
Genome position (GRCh38, 1-based): chr9:128,632,936, C>G. VCF-style: chr9-128632936-C-G. GRCh37 (hg19) VCF-style: chr9-131395215-C-G.
Other names: c.7325C>G, p.Thr2442Ser (NM_001438440.1, NM_001375312.2); c.7196C>G, p.Thr2399Ser (NM_001438441.1); c.7211C>G, p.Thr2404Ser (NM_001438442.1); c.7256C>G, p.Thr2419Ser (NM_001438443.1); c.7277C>G, p.Thr2426Ser (NM_001438444.1); c.7337C>G, p.Thr2446Ser (NM_001438445.1); c.7274C>G, p.Thr2425Ser (NM_003127.4); c.7214C>G, p.Thr2405Ser (NM_001195532.2); and 6 more; short protein forms T2399S, T2404S, T2405S, T2410S, T2419S, T2424S, T2425S, T2426S.
Identifiers: ClinVar variation 4881544 (VCV004881544.2).

ClinVar aggregate classification (germline): Uncertain significance (1 of 4 stars; one submission).

Conditions:
Developmental delay with or without epilepsy (DEVEP). Identifiers: MedGen C5882702, MONDO:0957815, OMIM 620540.

Submission:

Dasa
Classification: Uncertain significance for developmental delay with or without epilepsy. Last evaluated: 2024-10-22. Review status: criteria provided, single submitter. Criteria: DASA Assertion Criteria. Collection method: clinical testing. Allele origin: germline.
Comment: NM_001130438.3(SPTAN1):c.7289C>G (p.Thr2430Ser) is a missense variant that results in the substitution of threonine with serine. This variant is absent from population databases. The currently available literature and clinical evidence are not sufficient to establish a definitive association between this variant and the reported condition. Therefore, this variant is classified as a variant of uncertain significance.